The following is an entry in ClinVar:

ClinVar aggregate classification (germline): Uncertain significance. Review status: criteria provided, multiple submitters, no conflicts (2 of 4 stars). 4 submissions from 4 submitters: Uncertain significance (4). Last evaluated 2025-11-26.

Allele frequency attached by ClinVar (database versions not stated): gnomAD 0.00001; TOPMed 0.00001; ExAC 0.00004; ESP Exome Variant Server 0.00008.
gnomAD v4.1: 35 of 1,562,998 alleles (0.0022%); highest among the groups gnomAD compares: Middle Eastern, 0.017%; no homozygotes.

Submissions (4):

Ambry Genetics
Classification: Uncertain significance. Last evaluated: 2025-11-26. Review status: criteria provided, single submitter. Criteria: Ambry Variant Classification Scheme 2023. Collection method: clinical testing. Allele origin: germline.

Labcorp Genetics (formerly Invitae), Labcorp
Classification: Uncertain significance. Last evaluated: 2024-10-17. Review status: criteria provided, single submitter. Criteria: Invitae Variant Classification Sherloc (09022015). Collection method: clinical testing. Allele origin: germline.
Comment: This sequence change replaces glutamic acid, which is acidic and polar, with aspartic acid, which is acidic and polar, at codon 370 of the EEF2 protein (p.Glu370Asp). The frequency data for this variant in the population databases is considered unreliable, as metrics indicate poor data quality at this position in the gnomAD database. This variant has not been reported in the literature in individuals affected with EEF2-related conditions. ClinVar contains an entry for this variant (Variation ID: 1807541). Invitae Evidence Modeling of protein sequence and biophysical properties (such as structural, functional, and spatial information, amino acid conservation, physicochemical variation, residue mobility, and thermodynamic stability) indicates that this missense variant is not expected to disrupt EEF2 protein function with a negative predictive value of 80%. In summary, the available evidence is currently insufficient to determine the role of this variant in disease. Therefore, it has been classified as a Variant of Uncertain Significance.

Blueprint Genetics
Classification: Uncertain significance. Last evaluated: 2021-11-02. Review status: criteria provided, single submitter. Criteria: ACMG Guidelines, 2015. Collection method: clinical testing. Allele origin: germline.

Athena Diagnostics
Classification: Uncertain significance. Last evaluated: 2021-08-10. Review status: criteria provided, single submitter. Criteria: Athena Diagnostics Criteria. Collection method: clinical testing. Allele origin: unknown.

NM_001961.4(EEF2):c.1110G>T (p.Glu370Asp)

Gene: EEF2 (eukaryotic translation elongation factor 2; minus strand). Cytogenetic location: 19p13.3.
Variant type: single nucleotide variant.
Coding change: c.1110G>T on transcript NM_001961.4 (MANE Select); coding-DNA position 1110, G replaced by T.
Protein change: p.Glu370Asp; replaces glutamic acid 370 with aspartic acid.
Molecular consequence: missense variant.
Genome position (GRCh38, 1-based): chr19:3,980,881, C>A on the plus strand (G>T on the coding strand, the complement: EEF2 is on the minus strand). VCF-style: chr19-3980881-C-A. GRCh37 (hg19) VCF-style: chr19-3980879-C-A.
Other names: short protein forms E370D.
Identifiers: ClinVar variation 1807541 (VCV001807541.5), dbSNP rs373110188, ClinGen allele CA9089018.